The following is an entry in ClinVar:

ClinVar aggregate classification (germline): Uncertain significance (1 of 4 stars; one submission).

Allele frequency attached by ClinVar (database versions not stated): gnomAD exomes below 0.00001 and 0.00001; gnomAD 0.00001; TOPMed 0.00001; ExAC 0.00002; 1000 Genomes Project 30x 0.00016; 1000 Genomes Project 0.00020.
gnomAD v4.1: 14 of 1,614,108 alleles (0.00087%); highest among the groups gnomAD compares: Middle Eastern, 0.016%; no homozygotes.

Submission:

Labcorp Genetics (formerly Invitae), Labcorp
Classification: Uncertain significance. Last evaluated: 2024-12-04. Review status: criteria provided, single submitter. Criteria: Invitae Variant Classification Sherloc (09022015). Collection method: clinical testing. Allele origin: germline.
Comment: This sequence change replaces tyrosine, which is neutral and polar, with cysteine, which is neutral and slightly polar, at codon 1179 of the ERCC6 protein (p.Tyr1179Cys). This variant is present in population databases (rs536757172, gnomAD 0.003%). This variant has not been reported in the literature in individuals affected with ERCC6-related conditions. ClinVar contains an entry for this variant (Variation ID: 1461455). Invitae Evidence Modeling of protein sequence and biophysical properties (such as structural, functional, and spatial information, amino acid conservation, physicochemical variation, residue mobility, and thermodynamic stability) indicates that this missense variant is not expected to disrupt ERCC6 protein function with a negative predictive value of 95%. In summary, the available evidence is currently insufficient to determine the role of this variant in disease. Therefore, it has been classified as a Variant of Uncertain Significance.

NM_000124.4(ERCC6):c.3536A>G (p.Tyr1179Cys)

Gene: ERCC6 (ERCC excision repair 6, chromatin remodeling factor; minus strand). Cytogenetic location: 10q11.23.
Variant type: single nucleotide variant.
Coding change: c.3536A>G on transcript NM_000124.4 (MANE Select); coding-DNA position 3536, A replaced by G.
Protein change: p.Tyr1179Cys; replaces tyrosine 1179 with cysteine.
Molecular consequence: missense variant.
Genome position (GRCh38, 1-based): chr10:49,470,424, T>C on the plus strand (A>G on the coding strand, the complement: ERCC6 is on the minus strand). VCF-style: chr10-49470424-T-C. GRCh37 (hg19) VCF-style: chr10-50678470-T-C.
Other names: c.3536A>G, p.Tyr1179Cys (NM_001346440.2); short protein forms Y1179C.
Identifiers: ClinVar variation 1461455 (VCV001461455.4), dbSNP rs536757172, ClinGen allele CA5495331.